The following is an entry in ClinVar:

ClinVar aggregate classification (germline): Pathogenic/Likely pathogenic. Review status: criteria provided, multiple submitters, no conflicts (2 of 4 stars). 2 submissions from 2 submitters: Pathogenic (1); Likely pathogenic (1). Last evaluated 2024-01-13.

Conditions:
X-linked Alport syndrome (ATS1). Also called: COL4A5-Related Nephropathy; NEPHROPATHY AND DEAFNESS, X-LINKED. Identifiers: Orphanet 63, Orphanet 88917, MedGen C4746986, MONDO:0010520, OMIM 301050.

Submissions (2):

Fulgent Genetics
Classification: Likely pathogenic for X-linked Alport syndrome. Last evaluated: 2024-01-13. Review status: criteria provided, single submitter. Criteria: ACMG Guidelines, 2015. Collection method: clinical testing. Allele origin: germline.

Labcorp Genetics (formerly Invitae), Labcorp
Classification: Pathogenic. Last evaluated: 2023-05-13. Review status: criteria provided, single submitter. Criteria: Invitae Variant Classification Sherloc (09022015). Collection method: clinical testing. Allele origin: germline.
Comment: For these reasons, this variant has been classified as Pathogenic. This variant has not been reported in the literature in individuals affected with COL4A5-related conditions. This variant is not present in population databases (gnomAD no frequency). This sequence change creates a premature translational stop signal (p.Asn670*) in the COL4A5 gene. It is expected to result in an absent or disrupted protein product. Loss-of-function variants in COL4A5 are known to be pathogenic (PMID: 9195222, 10752524, 14514738, 24854265, 26809805).

Literature cited by the submitters: PubMed 9195222 (cited by Labcorp Genetics (formerly Invitae), Labcorp); PubMed 10752524 (cited by Labcorp Genetics (formerly Invitae), Labcorp); PubMed 14514738 (cited by Labcorp Genetics (formerly Invitae), Labcorp); PubMed 24854265 (cited by Labcorp Genetics (formerly Invitae), Labcorp); PubMed 26809805 (cited by Labcorp Genetics (formerly Invitae), Labcorp).

NM_033380.3(COL4A5):c.2007dup (p.Asn670Ter)

Gene: COL4A5 (collagen type IV alpha 5 chain; plus strand). Cytogenetic location: Xq22.3.
Variant type: Duplication.
Coding change: c.2007dup on transcript NM_033380.3 (MANE Select); coding-DNA position 2007, one base duplicated (T; older notation c.2007dupT).
Protein change: p.Asn670Ter; replaces asparagine 670 with a stop codon.
Molecular consequence: nonsense.
Genome position (GRCh38, 1-based): chrX:108,601,451, T duplicated. VCF-style (leftmost placement, unchanged base first): chrX-108601450-G-GT. GRCh37 (hg19) VCF-style: chrX-107844680-G-GT.
Other names: c.2007dup, p.Asn670Ter (NM_000495.5); short protein forms N670*.
Identifiers: ClinVar variation 2863945 (VCV002863945.4), dbSNP rs2524325761, ClinGen allele CA2739273709.
Genomic context (GRCh38, chrX:108,601,450, plus strand): 5'-CAGGTCCTAAAGGGGATCCAGGTCAGACTATAACCCAGCCGGGGAAGCCTGGCTTGCCTG[G>GT]TAACCCAGGCAGAGATGGTGATGTAGGTCTTCCAGGTATGTGAGGAATTTATTTCAAAGT-3'